The following is an entry in ClinVar:

NM_002835.4(PTPN12):c.100-3A>T

Gene: PTPN12 (protein tyrosine phosphatase non-receptor type 12; plus strand). Cytogenetic location: 7q11.23.
Variant type: single nucleotide variant.
Coding change: c.100-3A>T on transcript NM_002835.4 (MANE Select); 3 bases into the intron before coding-DNA position 100, A replaced by T.
Molecular consequence: intron variant.
Genome position (GRCh38, 1-based): chr7:77,571,075, A>T. VCF-style: chr7-77571075-A-T. GRCh37 (hg19) VCF-style: chr7-77200392-A-T.
Other names: NC_000007.13:g.77200392A>T; c.-258-3A>T (NM_001131008.2); c.-195-3A>T (NM_001131009.2).
Identifiers: ClinVar variation 3059642 (VCV003059642.3), dbSNP rs17155183, ClinGen allele CA4311398.

ClinVar aggregate classification (germline): Benign (0 of 4 stars; one submission).

Conditions:
PTPN12-related disorder. Also called: PTPN12-related condition.

Allele frequency attached by ClinVar (database versions not stated): 1000 Genomes Project 0.25419; 1000 Genomes Project 30x 0.25500; TOPMed 0.26411; gnomAD 0.26499; ESP Exome Variant Server 0.27490; ExAC 0.30953.
gnomAD v4.1: 426,643 of 1,526,904 alleles (28%); highest among the groups gnomAD compares: Non-Finnish European, 29%; 60,545 homozygotes.

Submissions (2):

PreventionGenetics, part of Exact Sciences
Classification: Benign for PTPN12-related condition. Last evaluated: 2019-10-18. Review status: no assertion criteria provided. Collection method: clinical testing. Allele origin: germline.
Comment: This variant is classified as benign based on ACMG/AMP sequence variant interpretation guidelines (Richards et al. 2015 PMID: 25741868, with internal and published modifications).

Dr. Peter K. Rogan Lab, Western University
No classification provided (evidence only). Condition: Familial cancer of breast. Review status: no classification provided. Collection method: in vitro. Allele origin: not applicable. Functional consequence: retained intron. Not counted in ClinVar's aggregate classification.